The following is an entry in ClinVar:

ClinVar aggregate classification (germline): Uncertain significance (1 of 4 stars; one submission).

Conditions:
Klippel-Feil syndrome 3, autosomal dominant (KFS3). Identifiers: Orphanet 2345, MedGen C3150967, MONDO:0013375, OMIM 613702.

Submission:

Foundation for Research in Genetics and Endocrinology, FRIGE's Institute of Human Genetics
Classification: Uncertain significance for Klippel-Feil syndrome 3, autosomal dominant. Last evaluated: 2024-02-09. Review status: criteria provided, single submitter. Criteria: ACMG Guidelines, 2015. Collection method: clinical testing. Allele origin: germline. Inheritance: Autosomal dominant inheritance. Affected: yes. Observed: 1 heterozygote.
Comment: A heterozygous missense variant in exon 2 of the GDF3 gene that results in the amino acid substitution of Asparagine for Lysine at codon 96 (p.Lys96Asn) was detected. The variant has not been reported in the 1000 genomes, gnomAD (v3.1), gnomdAD (v2.1), topmed databases. The reference codon is conserved across species. In summary, the variant meets our criteria to be classified as a variant of uncertain significance.

NM_020634.3(GDF3):c.288G>T (p.Lys96Asn)

Gene: GDF3 (growth differentiation factor 3; minus strand). Cytogenetic location: 12p13.31.
Variant type: single nucleotide variant.
Coding change: c.288G>T on transcript NM_020634.3 (MANE Select); coding-DNA position 288, G replaced by T.
Protein change: p.Lys96Asn; replaces lysine 96 with asparagine.
Molecular consequence: missense variant.
Genome position (GRCh38, 1-based): chr12:7,690,685, C>A on the plus strand (G>T on the coding strand, the complement: GDF3 is on the minus strand). VCF-style: chr12-7690685-C-A. GRCh37 (hg19) VCF-style: chr12-7843281-C-A.
Other names: p.Lys96Asn; short protein forms K96N.
Identifiers: ClinVar variation 3061942 (VCV003061942.1), dbSNP rs775800295, ClinGen allele CA383765426.